The following is an entry in ClinVar:

NM_000153.4(GALC):c.699C>G (p.Ile233Met)

Gene: GALC (galactosylceramidase; minus strand). Cytogenetic location: 14q31.3.
Variant type: single nucleotide variant.
Coding change: c.699C>G on transcript NM_000153.4 (MANE Select); coding-DNA position 699, C replaced by G.
Protein change: p.Ile233Met; replaces isoleucine 233 with methionine.
Molecular consequence: missense variant. On other transcripts: non-coding transcript variant (1).
Genome position (GRCh38, 1-based): chr14:87,976,411, G>C on the plus strand (C>G on the coding strand, the complement: GALC is on the minus strand). VCF-style: chr14-87976411-G-C. GRCh37 (hg19) VCF-style: chr14-88442755-G-C.
Other names: c.630C>G, p.Ile210Met (NM_001201401.2); c.621C>G, p.Ile207Met (NM_001201402.2); c.531C>G, p.Ile177Met (NM_001424071.1, NM_001424072.1, NM_001424073.1); c.351C>G, p.Ile117Met (NM_001424074.1, NM_001424075.1); c.66C>G, p.Ile22Met (NM_001424076.1, NM_001424077.1); short protein forms I207M, I210M, I22M, I117M, I177M, I233M.
Identifiers: ClinVar variation 5005354 (VCV005005354.2).
Genomic context (GRCh38, chr14:87,976,411, plus strand): 5'-GCCTTACCCTATAACATCAACCACCTTGAAGAGTTCGGCATCAAGGAGCATGGATGCAGA[G>C]ATGGACTCCCAGAGATTATCACTTGCTATGATTTTCACTCGCTGGAGACCTTGATAATTC-3'
Protein context (NP_000144.2, residues 223-243): IIASDNLWES[Ile233Met]SASMLLDAEL

ClinVar aggregate classification (germline): Uncertain significance (1 of 4 stars; one submission).

Conditions:
Galactosylceramide beta-galactosidase deficiency. Also called: Leukodystrophy, Globoid Cell; GALACTOCEREBROSIDASE DEFICIENCY; GALC DEFICIENCY; GLOBOID CELL LEUKOENCEPHALOPATHY; Krabbe Disease. Identifiers: Orphanet 487, MedGen C0023521, MONDO:0009499, OMIM 245200.

Submission:

Juno Genomics, Hangzhou Juno Genomics, Inc
Classification: Uncertain significance for Galactosylceramide beta-galactosidase deficiency. Review status: criteria provided, single submitter. Criteria: ACMG Guidelines, 2015. Collection method: clinical testing. Allele origin: germline.
Comment: Absent from controls (or at extremely low frequency if recessive) in Genome Aggregation Database.;Multiple lines of computational evidence support a deleterious effect on the gene or gene product.